The following is an entry in ClinVar:

NM_000089.4(COL1A2):c.455G>T (p.Arg152Leu)

Gene: COL1A2 (collagen type I alpha 2 chain; plus strand). Cytogenetic location: 7q21.3.
Variant type: single nucleotide variant.
Coding change: c.455G>T on transcript NM_000089.4 (MANE Select); coding-DNA position 455, G replaced by T.
Protein change: p.Arg152Leu; replaces arginine 152 with leucine.
Molecular consequence: missense variant.
Genome position (GRCh38, 1-based): chr7:94,405,221, G>T. VCF-style: chr7-94405221-G-T. GRCh37 (hg19) VCF-style: chr7-94034533-G-T.
Other names: short protein forms R152L.
Identifiers: ClinVar variation 4791646 (VCV004791646.1).
Genomic context (GRCh38, chr7:94,405,221, plus strand): 5'-CCAAGAAGAAGTTGACTCTACAATGTTTTCATGTTTAGGGTCACCCTGGAAAACCCGGAC[G>T]ACCTGGTGAGAGAGGAGTTGTTGGACCACAGGTGAGACTTTTTACATTGGTAGATAGCAC-3'
Protein context (NP_000080.2, residues 142-162): GEDGHPGKPG[Arg152Leu]PGERGVVGPQ

ClinVar aggregate classification (germline): Uncertain significance (1 of 4 stars; one submission).

Conditions:
Ehlers-Danlos syndrome, classic type, 1 (EDSCL1). Also called: EHLERS-DANLOS SYNDROME, GRAVIS TYPE; EHLERS-DANLOS SYNDROME, SEVERE CLASSIC TYPE; Ehlers-Danlos syndrome, type 1; Ehlers-Danlos Syndrome, Classic Type, COL5A1-Related; EDS I. Identifiers: MedGen C0268335, MONDO:0019567, OMIM 130000.
Osteogenesis imperfecta type I (OI1). Also called: OI, TYPE I; OSTEOGENESIS IMPERFECTA TARDA; OSTEOGENESIS IMPERFECTA WITH BLUE SCLERAE; Osteogenesis imperfecta type 1; Lobstein's Disease; Lobstein disease. Identifiers: Orphanet 216796, Orphanet 666, MedGen C0023931, MONDO:0008146, OMIM 166200. Disease mechanism: loss of function.

Submission:

Labcorp Genetics (formerly Invitae), Labcorp
Classification: Uncertain significance for Osteogenesis imperfecta type I; Ehlers-Danlos syndrome, classic type, 1. Last evaluated: 2025-10-07. Review status: criteria provided, single submitter. Criteria: Invitae Variant Classification Sherloc (09022015). Collection method: clinical testing. Allele origin: germline.
Comment: This sequence change replaces arginine, which is basic and polar, with leucine, which is neutral and non-polar, at codon 152 of the COL1A2 protein (p.Arg152Leu). This variant is not present in population databases (gnomAD no frequency). This variant has not been reported in the literature in individuals affected with COL1A2-related conditions. Invitae Evidence Modeling of protein sequence and biophysical properties (such as structural, functional, and spatial information, amino acid conservation, physicochemical variation, residue mobility, and thermodynamic stability) indicates that this missense variant is not expected to disrupt COL1A2 protein function with a negative predictive value of 80%. In summary, the available evidence is currently insufficient to determine the role of this variant in disease. Therefore, it has been classified as a Variant of Uncertain Significance.